The following is an entry in ClinVar:

NM_000548.5(TSC2):c.1362-15G>C

Gene: TSC2 (TSC complex subunit 2; plus strand). Cytogenetic location: 16p13.3.
Variant type: single nucleotide variant.
Coding change: c.1362-15G>C on transcript NM_000548.5 (MANE Select); 15 bases into the intron before coding-DNA position 1362, G replaced by C.
Molecular consequence: intron variant.
Genome position (GRCh38, 1-based): chr16:2,062,957, G>C. VCF-style: chr16-2062957-G-C. GRCh37 (hg19) VCF-style: chr16-2112958-G-C.
Other names: c.1362-15G>C (NM_001114382.3, NM_021055.3, NM_001370405.1 and 3 more transcripts); c.1251-15G>C (NM_001318827.2); c.762-15G>C (NM_001318831.2); c.1215-15G>C (NM_001318829.2); c.1395-15G>C (NM_001318832.2).
Identifiers: ClinVar variation 1628516 (VCV001628516.9), dbSNP rs1360683344, ClinGen allele CA620373542.

ClinVar aggregate classification (germline): Likely benign. Review status: criteria provided, multiple submitters, no conflicts (2 of 4 stars). 3 submissions from 3 submitters: Likely benign (3). Last evaluated 2025-06-09.

Conditions:
Tuberous sclerosis 2 (TSC2). Identifiers: Orphanet 805, MedGen C1860707, MONDO:0013199, OMIM 613254.
Tuberous sclerosis syndrome (TSC). Also called: Tuberous Sclerosis Complex; Tuberous sclerosis. Identifiers: Orphanet 805, MedGen C0041341, MONDO:0001734.

Allele frequency attached by ClinVar (database versions not stated): gnomAD 0.00001.
gnomAD v4.1: 3 of 1,548,806 alleles (0.00019%); highest among the groups gnomAD compares: South Asian, 0.0012%; no homozygotes.

Submissions (3):

Color Diagnostics, LLC DBA Color Health
Classification: Likely benign for Tuberous sclerosis syndrome. Last evaluated: 2025-06-09. Review status: criteria provided, single submitter. Criteria: ACMG Guidelines, 2015. Collection method: clinical testing. Allele origin: germline.

Myriad Genetics, Inc.
Classification: Likely benign for Tuberous sclerosis 2. Last evaluated: 2025-05-14. Review status: criteria provided, single submitter. Criteria: Myriad Autosomal Dominant, Autosomal Recessive and X-Linked Classification Criteria (2023). Collection method: clinical testing. Allele origin: unknown.
Comment: This variant is considered likely benign. This variant is intronic and is not expected to impact mRNA splicing.

Labcorp Genetics (formerly Invitae), Labcorp
Classification: Likely benign for Tuberous sclerosis 2. Last evaluated: 2021-12-02. Review status: criteria provided, single submitter. Criteria: Invitae Variant Classification Sherloc (09022015). Collection method: clinical testing. Allele origin: germline.